The following is an entry in ClinVar:

NM_000478.6(ALPL):c.407G>A (p.Arg136His)

Gene: ALPL (alkaline phosphatase, biomineralization associated; plus strand). Cytogenetic location: 1p36.12.
Variant type: single nucleotide variant.
Coding change: c.407G>A on transcript NM_000478.6 (MANE Select); coding-DNA position 407, G replaced by A.
Protein change: p.Arg136His; replaces arginine 136 with histidine.
Molecular consequence: missense variant.
Genome position (GRCh38, 1-based): chr1:21,563,219, G>A. VCF-style: chr1-21563219-G-A. GRCh37 (hg19) VCF-style: chr1-21889712-G-A.
Other names: R119H; c.242G>A, p.Arg81His (NM_001127501.4); c.176G>A, p.Arg59His (NM_001177520.3); c.407G>A, p.Arg136His (NM_001369803.2, NM_001369804.2, NM_001369805.2); short protein forms R136H, R59H, R81H.
Identifiers: ClinVar variation 13675 (VCV000013675.82), dbSNP rs121918011, ClinGen allele CA256932.
Genomic context (GRCh38, chr1:21,563,219, plus strand): 5'-CCTACCTGTGTGGGGTGAAGGCCAATGAGGGCACCGTGGGGGTAAGCGCAGCCACTGAGC[G>A]TTCCCGGTGCAACACCACCCAGGGGAACGAGGTCACCTCCATCCTGCGCTGGGCCAAGGA-3'
Protein context (NP_000469.3, residues 126-146): GTVGVSAATE[Arg136His]SRCNTTQGNE

ClinVar aggregate classification (germline): Pathogenic/Likely pathogenic. Review status: criteria provided, multiple submitters, no conflicts (2 of 4 stars). 30 submissions from 29 submitters: Pathogenic (25); Likely pathogenic (1). 4 of the submissions do not count toward it. Last evaluated 2026-08-26.

Conditions:
Semidominant ALPL-related disorders.
ALPL-related autosomal recessive hypophosphatasia. Identifiers: MedGen CN379221, MONDO:0100609.
ALPL-related disorder. Also called: ALPL-related disorders; ALPL-related condition.
Childhood hypophosphatasia. Identifiers: Orphanet 247667, Orphanet 436, MedGen C0220743, MONDO:1010168, OMIM 241510, MONDO:0009428.
Infantile hypophosphatasia. Identifiers: Orphanet 247651, Orphanet 436, MedGen C0268412, MONDO:1010169, OMIM 241500, MONDO:0009427.
Adult hypophosphatasia. Identifiers: Orphanet 247676, Orphanet 436, MedGen C0268413, MONDO:1010154, OMIM 146300, MONDO:0007798.
Hypophosphatasia. Also called: Phosphoethanol-aminuria. Identifiers: Orphanet 436, MedGen C0020630, MeSH D007014, MONDO:0018570.
Odontohypophosphatasia. Identifiers: Orphanet 247685, MedGen C1840322, MONDO:0016607.
Osteogenesis imperfecta (OI). Identifiers: Orphanet 666, MedGen C0029434, MeSH D010013, MONDO:0019019.

Allele frequency attached by ClinVar (database versions not stated): gnomAD exomes 0.00011 and 0.00014; gnomAD 0.00006; ExAC 0.00020; TOPMed 0.00010.
gnomAD v4.1: 172 of 1,613,786 alleles (0.011%); highest among the groups gnomAD compares: Middle Eastern, 0.016%; no homozygotes.

Submissions 1 to 8 of 30:

PreventionGenetics, part of Exact Sciences
Classification: Pathogenic for ALPL-related condition. Last evaluated: 2026-08-26. Review status: criteria provided, single submitter. Criteria: ACMG Guidelines, 2015. Collection method: clinical testing. Allele origin: germline.
Comment: The ALPL c.407G>A variant is predicted to result in the amino acid substitution p.Arg136His. This variant is alternatively referred to as p.Arg119His in the literature. This variant has been reported in the compound heterozygous state in multiple cases of prenatal- and infantile-onset hypophosphatasia (HPP) (Taillandier et al. 2001. PubMed ID: 11438998; Mumm et al. 2002. PubMed ID: 11855933; Bai et al. 2022. PubMed ID: 36352425). This variant has also been reported in the heterozygous state in multiple cases of adult-onset HPP, and in vitro experimental studies showed that this variant impacts protein function (Fauvert et al. 2009. PubMed ID: 19500388; Riancho-Zarrabeitia et al. 2016. PubMed ID: 26783040). This variant is reported in 0.023% of alleles in individuals of European (Non-Finnish) descent in gnomAD. Alternate missense changes at the same amino acid position (p.Arg136Pro, p.Arg136Leu, p.Arg136Cys) have been reported in individuals with HPP (Cui et al. 2012. PubMed ID: 22913777; Yang et al. 2013. PubMed ID: 24022022; Taillandier et al. 2018. PubMed ID: 29236161). Taken together, this variant is interpreted as pathogenic.

GeneDx
Classification: Pathogenic. Last evaluated: 2026-07-31. Review status: criteria provided, single submitter. Criteria: GeneDx Variant Classification Process June 2021. Collection method: clinical testing. Allele origin: germline.
Comment: Published functional studies demonstrate a damaging effect as protein harboring the R136H variant has approximately 33% of the residual activity of wild-type protein (PMID: 19500388, 10332035); Has also been reported as a single heterozygous variant in association with an odonto form and an adult form of hypophosphatasia (PMID: 19500388, 31707452); In silico analysis suggests that this missense variant does not alter protein structure/function; This variant is associated with the following publications: (PMID: 22913777, 37107680, 38972501, 34712267, 34758253, 11438998, 11855933, 11395499, 25023282, 10332035, 28506345, 26783040, 31600233, 31760938, 31707452, 29236161, 15694177, 10094560, 34213743, 34189384, 31589614, 32956941, 33452237, 33549410, 35314707, 35726512, 36444396, 36352425, 32160374, 36708496, 40035361, 38884565, 39983296, 39160549, 38702915, 19500388)

Myriad Genetics, Inc.
Classification: Pathogenic for Hypophosphatasia. Last evaluated: 2026-05-18. Review status: criteria provided, single submitter. Criteria: Myriad Autosomal Dominant, Autosomal Recessive and X-Linked Classification Criteria (2023). Collection method: clinical testing. Allele origin: unknown.
Comment: NM_000478.4(ALPL):c.407G>A(R136H) is a missense variant classified as pathogenic in the context of hypophosphatasia. Please note that R136His associated with autosomal dominant hypophosphatasia. The reproductive risk may be as high as 50%. R136H has been observed in cases with relevant disease (PMID: 28506345, 11855933, 22397652, 24276437, 25731960, 29724887, 15694177, 11438998, 10094560, 28127875, 31707452, 32811521, 34213743, 32912883, 34189384). Relevant functional assessments of this variant are available in the literature (PMID: 10332035, 32160374, 19500388). Internal structural analysis of the variant is supportive of pathogenicity. R136H has been observed in referenced population frequency databases. In summary, NM_000478.4(ALPL):c.407G>A(R136H) is a missense variant that has both functional and internal structural support for pathogenicity and has been observed more frequently in cases with the relevant disease than in healthy populations. Please note: this variant was assessed in the context of healthy population screening.

CeGaT Center for Human Genetics Tuebingen
Classification: Pathogenic. Last evaluated: 2026-03-01. Review status: criteria provided, single submitter. Criteria: CeGaT Center For Human Genetics Tuebingen Variant Classification Criteria Version 2. Collection method: clinical testing. Allele origin: germline. Affected: yes. Observed: 2 variant alleles.
Comment: ALPL: PM1, PM2, PM5, PS4:Moderate, PP4, PS3:Supporting

Labcorp Genetics (formerly Invitae), Labcorp
Classification: Pathogenic. Last evaluated: 2025-12-13. Review status: criteria provided, single submitter. Criteria: Invitae Variant Classification Sherloc (09022015). Collection method: clinical testing. Allele origin: germline.
Comment: This sequence change replaces arginine, which is basic and polar, with histidine, which is basic and polar, at codon 136 of the ALPL protein (p.Arg136His). This variant is present in population databases (rs121918011, gnomAD 0.02%). This missense change has been observed in individuals with hypophosphatasia (PMID: 10094560, 11438998, 11855933, 15694177, 19500388, 25731960, 26783040). This variant is also known as Arg119His. ClinVar contains an entry for this variant (Variation ID: 13675). Invitae Evidence Modeling of protein sequence and biophysical properties (such as structural, functional, and spatial information, amino acid conservation, physicochemical variation, residue mobility, and thermodynamic stability) indicates that this missense variant is expected to disrupt ALPL protein function with a positive predictive value of 95%. Experimental studies have shown that this missense change affects ALPL function (PMID: 10332035, 19500388). This variant disrupts the p.Arg136 amino acid residue in ALPL. Other variant(s) that disrupt this residue have been observed in individuals with ALPL-related conditions (PMID: 19500388, 22913777, 24022022), which suggests that this may be a clinically significant amino acid residue. For these reasons, this variant has been classified as Pathogenic.

Variantyx, Inc.
Classification: Pathogenic for Semidominant ALPL-related disorders. Last evaluated: 2025-11-03. Review status: criteria provided, single submitter. Criteria: Variantyx Assertion Criteria 2022. Collection method: clinical testing. Allele origin: germline. Inheritance: Semidominant inheritance.
Comment: This is a nonsynonymous variant in the ALPL gene (OMIM: 171760). Pathogenic variants in this gene have been associated with autosomal semidominant ALPL-related disorders. This variant has been identified in the homozygous or compound heterozygous state in at least 5 individuals reported in the published literature (PMID: 10094560, 31707452, 31600233, 40035361) (PM3_Strong). Functional studies have shown that this variant alters ALPL protein function (PMID: 19500388, 10332035) (PS3_Moderate) and an alternate amino acid change at this position (p.Arg136Cys) have been previously reported in similarly affected individuals, which suggests that this residue is biologically important (PMID: 29236161)(PM5). This variant has a 0.0130% maximum allele frequency in non-founder control populations (PM2_Supporting). Based on the current evidence, this variant is classified as pathogenic for autosomal semidominant ALPL-related disorders.

Natera, Inc.
Classification: Pathogenic for Hypophosphatasia. Last evaluated: 2025-10-23. Review status: criteria provided, single submitter. Criteria: Natera Variant Classification Schema (03/2026). Collection method: clinical testing. Allele origin: germline.
Comment: The c.407G>A variant in ALPL is a missense variant predicted to cause substitution of arginine to histidine at amino acid 136. This variant is rare in the general population with a frequency below the threshold expected for the associated phenotype(s). This variant has been observed in one or more individuals affected with the associated recessive disease, as either homozygous or compound heterozygous with a second variant (PMID: 24276437, 31600233, 29724887). Computational prediction algorithms indicate this variant is likely to affect gene or protein function. Given the available evidence, this variant is classified as Pathogenic.

Genomenon, Inc
Classification: Pathogenic for Hypophosphatasia. Last evaluated: 2025-08-29. Review status: criteria provided, single submitter. Criteria: Genomenon Sequence Variant Interpretation Standards. Collection method: curation. Allele origin: germline. Affected: yes.
Comment: ALPL c.407G>A is a missense variant that changes the amino acid at residue 136 from Arginine to Histidine. This variant has been observed in at least one proband affected with hypophosphatasia (PMID:25731960;33579333;29236161;32811521;31600233;31707452;19500388;24276437;32973344). The variant was found to segregate with disease in at least one affected family (PMID:37600704). At least one functional study has demonstrated a substantial alteration in protein function relative to the wild-type (PMID:32160374). This variant is also described as Arg119His in the literature. It is absent or not present at a significant frequency in gnomAD. In silico models agree that this variant is possibly or probably damaging. In conclusion, we classify ALPL p.Arg136His (c.407G>A) as a pathogenic variant.